The following is an entry in ClinVar:

NM_030973.4(MED25):c.330C>A (p.Ser110Arg)

Gene: MED25 (mediator complex subunit 25; plus strand). Cytogenetic location: 19q13.33.
Variant type: single nucleotide variant.
Coding change: c.330C>A on transcript NM_030973.4 (MANE Select); coding-DNA position 330, C replaced by A.
Protein change: p.Ser110Arg; replaces serine 110 with arginine.
Molecular consequence: missense variant.
Genome position (GRCh38, 1-based): chr19:49,828,473, C>A. VCF-style: chr19-49828473-C-A. GRCh37 (hg19) VCF-style: chr19-50331730-C-A.
Other names: c.330C>A, p.Ser110Arg (NM_001378355.1); short protein forms S110R.
Identifiers: ClinVar variation 1385114 (VCV001385114.8), dbSNP rs898525772, ClinGen allele CA406911960.

ClinVar aggregate classification (germline): Uncertain significance (1 of 4 stars; one submission).

Conditions:
Charcot-Marie-Tooth disease type 2. Also called: Charcot-Marie-Tooth type 2. Identifiers: Orphanet 64746, MedGen C0270914, MONDO:0018993.

gnomAD v4.1: 4 of 1,613,968 alleles (0.00025%); highest among the groups gnomAD compares: Non-Finnish European, 0.00034%; no homozygotes.

Submission:

Labcorp Genetics (formerly Invitae), Labcorp
Classification: Uncertain significance for Charcot-Marie-Tooth disease type 2. Last evaluated: 2024-02-12. Review status: criteria provided, single submitter. Criteria: Invitae Variant Classification Sherloc (09022015). Collection method: clinical testing. Allele origin: germline.
Comment: This sequence change replaces serine, which is neutral and polar, with arginine, which is basic and polar, at codon 110 of the MED25 protein (p.Ser110Arg). This variant is not present in population databases (gnomAD no frequency). This variant has not been reported in the literature in individuals affected with MED25-related conditions. ClinVar contains an entry for this variant (Variation ID: 1385114). An algorithm developed to predict the effect of missense changes on protein structure and function (PolyPhen-2) suggests that this variant is likely to be disruptive. In summary, the available evidence is currently insufficient to determine the role of this variant in disease. Therefore, it has been classified as a Variant of Uncertain Significance.